The following continues an entry in ClinVar:

NM_176869.3(PPA2):c.514G>A (p.Glu172Lys)

Gene: PPA2. ClinVar aggregate classification (germline): Pathogenic/Likely pathogenic. Pathogenic (13); Likely pathogenic (3).

Submissions 11 to 21 of 21:

Clinical Genomics Laboratory, Stanford Medicine
Classification: Pathogenic for Sudden cardiac failure, infantile. Last evaluated: 2021-07-23. Review status: criteria provided, single submitter. Criteria: ACMG Guidelines, 2015. Collection method: clinical testing. Allele origin: germline. Affected: yes. Observed: 1 heterozygote.
Comment: The p.Glu172Lysvariant in the PPA2gene has been previously reported in the compound heterozygous state in many individuals affected with mitochondrial cardiomyopathy and sudden cardiac failure and segregated with disease in multiple families (Guimier et al., 2016; Kennedy et al., 2016; Vasilescu et al., 2018; Sanford et al., 2020).This variant has been identified in 120/126,898 European non-Finnish chromosomes (147/275,080 chromosomes overall) by the Genome Aggregation Database. Although this variant has been seen in the general population, its frequency is low enough to be consistent with a recessive carrier frequency. Functional studies of the p.Glu172Lys variant are supportive of a deleterious effect to the proteinshowing reduced enzyme activity and reduced mitochondrial maintenance and function (Guimier et al., 2016; Kennedy et al., 2016). Computational tools also predict that thisvariant is deleterious; however, the accuracy of in silicoalgorithms is limited. These data were assessed using the ACMG/AMP variant interpretation guidelines. In summary, there is sufficient evidence to classify the p.Glu172Lys variant as pathogenic for autosomal recessive mitochondrial cardiomyopathy and sudden cardiac failure based on the information above. [ACMG evidence codes used: PM3_Very Strong; PP1_Strong; PS3; PM2; PP3]

Laboratory for Molecular Medicine, Mass General Brigham Personalized Medicine
Classification: Pathogenic for Sudden cardiac failure, infantile. Last evaluated: 2020-06-27. Review status: criteria provided, single submitter. Criteria: LMM Criteria. Collection method: clinical testing. Allele origin: germline. Inheritance: Autosomal recessive inheritance. Observed: 1 variant allele.
Comment: The p.Glu172Lys variant in PPA2 has been reported in the compound heterozygous state in 3 individuals with clinical features of sudden cardiac failure and segregated with disease in 5 affected relatives from 3 families (Kennedy 2016 PMID: 27523597, Guimier 2016 PMID: 27523598, Vasilescu 2018 PMID: 30384889). This variant has also been reported by other clinical laboratories in ClinVar (Variation ID 372222) and has been identified in 0.095% (120/126898) of European chromosomes by gnomAD. However, this frequency is low enough to be consistent with a recessive allele frequency. Several in vitro functional studies, including one using patient's fibroblasts, support an impact on protein function (Kennedy 2016 PMID: 27523597, Guimier 2016 PMID: 27523598, Vasilescu 2018 PMID: 30384889). Computational prediction tools and conservation analyses are consistent with pathogenicity. In summary, this variant meets criteria to be classified as pathogenic for autosomal recessive sudden cardiac failure in infancy. ACMG/AMP Criteria applied: PM3_Strong, PP1_Strong, PS3_Supporting, PP3.

Rady Children's Institute for Genomic Medicine, Rady Children's Hospital San Diego
Classification: Pathogenic for Sudden cardiac failure, infantile. Last evaluated: 2020-04-10. Review status: criteria provided, single submitter. Criteria: ACMG Guidelines, 2015. Collection method: clinical testing. Allele origin: paternal. Inheritance: Autosomal recessive inheritance. Affected: yes.
Comment: This variant has been previously reported as a compound heterozygous change in three individuals from two families with Sudden Unexpected Cardiac Arrest in Infancy (PMID: 27523598), and in two individuals from one family who developed a rapidly progressive DCM and cardiac failure, with only a few days from disease onset to death (PMID: 30384889). Functional characterization of the variant demonstrated inactivation of the mitochondrial energy transducing system and prevention of the maintenance of a sufficient electrical potential across the inner membrane (PMID: 27523598). This glutamine to lysine substitution is at a highly conserved residue and is predicted to disrupt at least three hydrogen bonds between interacting protein chains near the surface of the enzyme's active site and subsequently impair enzymatic function of PPA2 (PMID: 27523597). This variant is present in the heterozygous state in the gnomAD population database at a frequency of 0.053% (147/275080) and thus is presumed to be rare. Based on the available evidence, the c.514G>A (p.Glu172Lys) variant is classified as Pathogenic.

HudsonAlpha Institute for Biotechnology
Classification: Likely pathogenic for Sudden cardiac failure, infantile. Last evaluated: 2019-10-04. Review status: criteria provided, single submitter. Criteria: ACMG Guidelines, 2015. Collection method: research. Allele origin: maternal. Affected: yes. Observed: 1 variant allele. Study: CSER-SouthSeq.
Comment: ACMG codes: PS4M, PM2, PM3

CENTOGENE GmbH and LLC - Guiding Precision Medicine
Classification: Pathogenic for Sudden cardiac failure, infantile. Last evaluated: 2017-11-16. Review status: criteria provided, single submitter. Criteria: ACMG Guidelines, 2015. Collection method: clinical testing. Allele origin: germline. Affected: no.

Juno Genomics, Hangzhou Juno Genomics, Inc
Classification: Pathogenic for Sudden cardiac failure, alcohol-induced; Sudden cardiac failure, infantile. Review status: criteria provided, single submitter. Criteria: ACMG Guidelines, 2015. Collection method: clinical testing. Allele origin: germline.
Comment: Absent from controls (or at extremely low frequency if recessive) in Genome Aggregation Database.;Well-established in vitro or in vivo functional studies supportive of a damaging effect on the gene or gene product.;For recessive disorders, detected in trans with a pathogenic variant.;Co-segregation with disease in multiple affected family members.;Patient's phenotype or family history is highly specific for a disease with a single genetic etiology.

OMIM
Classification: Pathogenic for SUDDEN CARDIAC FAILURE, INFANTILE. Last evaluated: 2016-11-23. Review status: no assertion criteria provided. Collection method: literature only. Allele origin: germline. Not counted in ClinVar's aggregate classification.

OMIM
Classification: Pathogenic for SUDDEN CARDIAC FAILURE, ALCOHOL-INDUCED. Last evaluated: 2016-11-23. Review status: no assertion criteria provided. Collection method: literature only. Allele origin: germline. Not counted in ClinVar's aggregate classification.

Clinical Genetics DNA and cytogenetics Diagnostics Lab, Erasmus MC, Erasmus Medical Center
Classification: Likely pathogenic. Review status: no assertion criteria provided. Collection method: clinical testing. Allele origin: germline. Affected: yes. Study: VKGL Data-share Consensus. Not counted in ClinVar's aggregate classification.

Clinical Genetics, Academic Medical Center
Classification: Likely pathogenic. Review status: no assertion criteria provided. Collection method: clinical testing. Allele origin: germline. Affected: yes. Study: VKGL Data-share Consensus. Not counted in ClinVar's aggregate classification.

Genomics England Pilot Project, Genomics England
Classification: Likely pathogenic for Sudden cardiac failure, infantile. Review status: no assertion criteria provided. Criteria: ACGS Guidelines, 2016. Collection method: clinical testing. Allele origin: germline. Affected: yes. Not counted in ClinVar's aggregate classification.

Literature cited by the submitters: PubMed 27523597 (cited by 6 submitters); PubMed 27523598 (cited by 6 submitters); PubMed 30384889 (cited by 5 submitters); PubMed 33028643 (cited by Mayo Clinic Laboratories, Mayo Clinic and Ambry Genetics); PubMed 34400813 (cited by Ambry Genetics).